The following is an entry in ClinVar:

NM_000465.4(BARD1):c.2091A>G (p.Ala697=)

Gene: BARD1 (BRCA1 associated RING domain 1; minus strand). Cytogenetic location: 2q35.
Variant type: single nucleotide variant.
Coding change: c.2091A>G on transcript NM_000465.4 (MANE Select); coding-DNA position 2091, A replaced by G.
Protein change: p.Ala697=; no amino-acid change (alanine 697 retained).
Molecular consequence: synonymous variant. On other transcripts: non-coding transcript variant (3).
Genome position (GRCh38, 1-based): chr2:214,728,919, T>C on the plus strand (A>G on the coding strand, the complement: BARD1 is on the minus strand). VCF-style: chr2-214728919-T-C. GRCh37 (hg19) VCF-style: chr2-215593643-T-C.
Other names: c.2034A>G, p.Ala678= (NM_001282543.2); c.738A>G, p.Ala246= (NM_001282545.2); c.681A>G, p.Ala227= (NM_001282548.2); c.552A>G, p.Ala184= (NM_001282549.2).
Identifiers: ClinVar variation 820698 (VCV000820698.10), dbSNP rs786201573, ClinGen allele CA431393808.
Genomic context (GRCh38, chr2:214,728,919, plus strand): 5'-GATGGTCTGAGTCACGTCACTGTCTGGCTTGGGCTTTCTACTGAGGATCTGGCCCCCACC[T>C]GCAGTGACGAGCTTAATAAGGTTGTCCTTTGGATGGTGTTTGAAGGTTCCCCACAAATAG-3'
Protein context (NP_000456.2, residues 687-707): PKDNLIKLVT[Ala697=]GGGQILSRKP

ClinVar aggregate classification (germline): Benign/Likely benign. Review status: criteria provided, multiple submitters, no conflicts (2 of 4 stars). 3 submissions from 3 submitters: Benign (1); Likely benign (2). Last evaluated 2025-10-01.

Conditions:
Hereditary cancer-predisposing syndrome. Also called: Neoplastic Syndromes, Hereditary; Tumor predisposition; Hereditary Cancer Syndrome; Hereditary neoplastic syndrome. Identifiers: Orphanet 140162, MedGen C0027672, MeSH D009386, MONDO:0015356.
Familial cancer of breast. Also called: BREAST CANCER, FAMILIAL; Hereditary breast cancer; hereditary breast carcinoma. Identifiers: Orphanet 227535, MedGen C0346153, MONDO:0016419, OMIM 114480. Disease mechanism: loss of function.

Allele frequency attached by ClinVar (database versions not stated): gnomAD 0.00001; TOPMed 0.00001.
gnomAD v4.1: 1 of 1,614,088 alleles (0.000062%); highest among the groups gnomAD compares: African/African-American, 0.0013%; no homozygotes.

Submissions (3):

Labcorp Genetics (formerly Invitae), Labcorp
Classification: Likely benign for Familial cancer of breast. Last evaluated: 2025-10-01. Review status: criteria provided, single submitter. Criteria: Invitae Variant Classification Sherloc (09022015). Collection method: clinical testing. Allele origin: germline.

Myriad Genetics, Inc.
Classification: Benign for Familial cancer of breast. Last evaluated: 2024-07-29. Review status: criteria provided, single submitter. Criteria: Myriad Autosomal Dominant, Autosomal Recessive and X-Linked Classification Criteria (2023). Collection method: clinical testing. Allele origin: unknown.
Comment: This variant is considered benign. This variant is a silent/synonymous amino acid change and it is not expected to impact splicing.

Ambry Genetics
Classification: Likely benign for Hereditary cancer-predisposing syndrome. Last evaluated: 2018-02-07. Review status: criteria provided, single submitter. Criteria: Ambry Variant Classification Scheme 2023. Collection method: clinical testing. Allele origin: germline.